The following is an entry in ClinVar:

NM_022168.4(IFIH1):c.194C>G (p.Thr65Ser)

Gene: IFIH1 (interferon induced with helicase C domain 1; minus strand). Cytogenetic location: 2q24.2.
Variant type: single nucleotide variant.
Coding change: c.194C>G on transcript NM_022168.4 (MANE Select); coding-DNA position 194, C replaced by G.
Protein change: p.Thr65Ser; replaces threonine 65 with serine.
Molecular consequence: missense variant.
Genome position (GRCh38, 1-based): chr2:162,318,114, G>C on the plus strand (C>G on the coding strand, the complement: IFIH1 is on the minus strand). VCF-style: chr2-162318114-G-C. GRCh37 (hg19) VCF-style: chr2-163174624-G-C.
Other names: c.194C>G (NM_022168.2); short protein forms T65S.
Identifiers: ClinVar variation 2139623 (VCV002139623.6), dbSNP rs781033192, ClinGen allele CA349013933.

ClinVar aggregate classification (germline): Uncertain significance. Review status: criteria provided, multiple submitters, no conflicts (2 of 4 stars). 2 submissions from 2 submitters: Uncertain significance (2). Last evaluated 2024-12-22.

Conditions:
Aicardi-Goutieres syndrome 7 (AGS7). Identifiers: Orphanet 51, MedGen C3888244, MONDO:0014367, OMIM 615846.
Singleton-Merten syndrome 1 (SGMRT1). Also called: Widened medullary cavities of bone, aortic calcification, abnormal dentition, and muscular weakness; Syndrome of widened medullary cavities of the metacarpals and phalanges, aortic calcification and abnormal dentition. Identifiers: Orphanet 85191, MedGen C4225427, MONDO:0024535, OMIM 182250.
Inborn genetic diseases. Identifiers: MedGen C0950123, MeSH D030342.

Allele frequency attached by ClinVar (database versions not stated): gnomAD 0.00001.

Submissions (2):

Labcorp Genetics (formerly Invitae), Labcorp
Classification: Uncertain significance for Aicardi-Goutieres syndrome 7; Singleton-Merten syndrome 1. Last evaluated: 2024-12-22. Review status: criteria provided, single submitter. Criteria: Invitae Variant Classification Sherloc (09022015). Collection method: clinical testing. Allele origin: germline.
Comment: This sequence change replaces threonine, which is neutral and polar, with serine, which is neutral and polar, at codon 65 of the IFIH1 protein (p.Thr65Ser). This variant is not present in population databases (gnomAD no frequency). This variant has not been reported in the literature in individuals affected with IFIH1-related conditions. ClinVar contains an entry for this variant (Variation ID: 2139623). Invitae Evidence Modeling of protein sequence and biophysical properties (such as structural, functional, and spatial information, amino acid conservation, physicochemical variation, residue mobility, and thermodynamic stability) has been performed for this missense variant. However, the output from this modeling did not meet the statistical confidence thresholds required to predict the impact of this variant on IFIH1 protein function. In summary, the available evidence is currently insufficient to determine the role of this variant in disease. Therefore, it has been classified as a Variant of Uncertain Significance.

Ambry Genetics
Classification: Uncertain significance for Inborn genetic diseases. Last evaluated: 2023-03-21. Review status: criteria provided, single submitter. Criteria: Ambry Variant Classification Scheme 2023. Collection method: clinical testing. Allele origin: germline.